The following is an entry in ClinVar:

ClinVar aggregate classification (germline): Uncertain significance (1 of 4 stars; one submission).

gnomAD v4.1: 2 of 1,613,566 alleles (0.00012%); highest among the groups gnomAD compares: Admixed American, 0.0033%; no homozygotes.

Submission:

GeneDx
Classification: Uncertain significance. Last evaluated: 2023-11-22. Review status: criteria provided, single submitter. Criteria: GeneDx Variant Classification Process June 2021. Collection method: clinical testing. Allele origin: germline. Affected: yes.
Comment: Not observed at significant frequency in large population cohorts (gnomAD); In silico analysis supports that this missense variant does not alter protein structure/function; Has not been previously published as pathogenic or benign to our knowledge

NM_012082.4(ZFPM2):c.134G>A (p.Ser45Asn)

Gene: ZFPM2 (zinc finger protein, FOG family member 2; plus strand). Cytogenetic location: 8q23.1.
Variant type: single nucleotide variant.
Coding change: c.134G>A on transcript NM_012082.4 (MANE Select); coding-DNA position 134, G replaced by A.
Protein change: p.Ser45Asn; replaces serine 45 with asparagine.
Molecular consequence: missense variant. On other transcripts: 5 prime UTR variant (1), intron variant (1).
Genome position (GRCh38, 1-based): chr8:105,419,237, G>A. VCF-style: chr8-105419237-G-A. GRCh37 (hg19) VCF-style: chr8-106431465-G-A.
Other names: c.-263G>A (NM_001362837.2); c.41-25043G>A (NM_001362836.2); short protein forms S45N.
Identifiers: ClinVar variation 3364722 (VCV003364722.1).